The following is an entry in ClinVar:

NM_001103.4(ACTN2):c.1426G>A (p.Ala476Thr)

Gene: ACTN2 (actinin alpha 2; plus strand). Cytogenetic location: 1q43.
Variant type: single nucleotide variant.
Coding change: c.1426G>A on transcript NM_001103.4 (MANE Select); coding-DNA position 1426, G replaced by A.
Protein change: p.Ala476Thr; replaces alanine 476 with threonine.
Molecular consequence: missense variant.
Genome position (GRCh38, 1-based): chr1:236,747,686, G>A. VCF-style: chr1-236747686-G-A. GRCh37 (hg19) VCF-style: chr1-236910986-G-A.
Other names: p.A476T:GCT>ACT; c.1426G>A, p.Ala476Thr (NM_001278343.2); c.802G>A, p.Ala268Thr (NM_001278344.2); short protein forms A476T, A268T.
Identifiers: ClinVar variation 192111 (VCV000192111.57), dbSNP rs142943120, ClinGen allele CA238380.
Genomic context (GRCh38, chr1:236,747,686, plus strand): 5'-ATCTGGGAAAGTTAATCTTTATTTATTTTCACTTTTAATAGTGAACTGGACTATCACGAC[G>A]CTGTGAATGTCAATGATCGGTGCCAGAAAATTTGTGACCAGTGGGACCGACTGGGAACGC-3'
Protein context (NP_001094.1, residues 466-486): QELNELDYHD[Ala476Thr]VNVNDRCQKI

ClinVar aggregate classification (germline): Benign/Likely benign. Review status: criteria provided, multiple submitters, no conflicts (2 of 4 stars). 14 submissions from 14 submitters: Benign (3); Likely benign (8). 3 of the submissions do not count toward it. Last evaluated 2026-02-01.

Conditions:
Cardiovascular phenotype. Identifiers: MedGen CN230736.
Dilated cardiomyopathy 1AA (CMD1AA). Also called: Cardiomyopathy, dilated, 1AA, with or without LVNC; CARDIOMYOPATHY, DILATED, 1AA, WITH OR WITHOUT LEFT VENTRICULAR NONCOMPACTION; CARDIOMYOPATHY, FAMILIAL HYPERTROPHIC, 23, WITH OR WITHOUT LEFT VENTRICULAR NONCOMPACTION. Identifiers: Orphanet 154, MedGen C2677338, MONDO:0012808, OMIM 612158.
Primary familial hypertrophic cardiomyopathy (HCM). Identifiers: Orphanet 99739, MedGen C0949658, MeSH D024741, MONDO:0024573. Inheritance: Various modes of inheritance.
Cardiomyopathy (CMYO). Also called: Cardiomyopathies. Identifiers: Orphanet 167848, MedGen C0878544, MONDO:0004994, HP:0001638. Inheritance: Various modes of inheritance.

Allele frequency attached by ClinVar (database versions not stated): 1000 Genomes Project 0.00060; 1000 Genomes Project 30x 0.00062; ESP Exome Variant Server 0.00131; TOPMed 0.00165.

Submissions (14):

Labcorp Genetics (formerly Invitae), Labcorp
Classification: Benign for Primary familial hypertrophic cardiomyopathy; Dilated cardiomyopathy 1AA. Last evaluated: 2026-02-01. Review status: criteria provided, single submitter. Criteria: Invitae Variant Classification Sherloc (09022015). Collection method: clinical testing. Allele origin: germline.

Molecular Diagnostic Laboratory for Inherited Cardiovascular Disease, Montreal Heart Institute
Classification: Likely benign. Last evaluated: 2025-04-08. Review status: criteria provided, single submitter. Criteria: ACMG Guidelines, 2015. Collection method: clinical testing. Allele origin: germline. Affected: no.

Blueprint Genetics
Classification: Likely benign. Last evaluated: 2024-08-30. Review status: criteria provided, single submitter. Criteria: ACMG Guidelines, 2015. Collection method: clinical testing. Allele origin: germline.

CeGaT Center for Human Genetics Tuebingen
Classification: Benign. Last evaluated: 2022-09-01. Review status: criteria provided, single submitter. Criteria: CeGaT Center For Human Genetics Tuebingen Variant Classification Criteria Version 2. Collection method: clinical testing. Allele origin: germline. Affected: yes. Observed: 1 variant allele.
Comment: ACTN2: BS1, BS2

CHEO Genetics Diagnostic Laboratory, Children's Hospital of Eastern Ontario
Classification: Benign for Cardiomyopathy. Last evaluated: 2019-12-17. Review status: criteria provided, single submitter. Criteria: ACMG Guidelines, 2015. Collection method: clinical testing. Allele origin: germline. Study: Canadian Open Genetics Repository.

Women's Health and Genetics/Laboratory Corporation of America, LabCorp
Classification: Likely benign. Last evaluated: 2018-11-19. Review status: criteria provided, single submitter. Criteria: LabCorp Variant Classification Summary - May 2015. Collection method: clinical testing. Allele origin: germline.
Comment: Variant summary: ACTN2 c.1426G>A (p.Ala476Thr) results in a non-conservative amino acid change located in one of the Spectrin repeats (IPR002017) of the encoded protein sequence. Three of five in-silico tools predict a benign effect of the variant on protein function. The variant allele was found at a frequency of 0.0005 in 277184 control chromosomes, predominantly within the African subpopulation at a frequency of 0.0053 in the gnomAD database. The observed variant frequency within African control individuals in the gnomAD database is approximately 210 fold of the estimated maximal expected allele frequency for a pathogenic variant in ACTN2 causing Cardiomyopathy phenotype (2.5e-05), strongly suggesting that the variant is a benign polymorphism found primarily in populations of African origin. To our knowledge, no occurrence of c.1426G>A in individuals affected with Cardiomyopathy and no experimental evidence demonstrating its impact on protein function have been reported. Six clinical diagnostic laboratories have submitted clinical-significance assessments for this variant to ClinVar after 2014 without evidence for independent evaluation. Multiple laboratories reported the variant with conflicting assessments (VUS (2x), likely benign (3x), benign (1x)). Based on the evidence outlined above, the variant was classified as likely benign.

Ambry Genetics
Classification: Likely benign for Cardiovascular phenotype. Last evaluated: 2018-06-13. Review status: criteria provided, single submitter. Criteria: Ambry Variant Classification Scheme 2023. Collection method: clinical testing. Allele origin: germline.

Illumina Laboratory Services, Illumina
Classification: Likely benign for Dilated cardiomyopathy 1AA. Last evaluated: 2018-01-12. Review status: criteria provided, single submitter. Criteria: ICSL Variant Classification Criteria 13 December 2019. Collection method: clinical testing. Allele origin: germline.
Comment: This variant was observed in the ICSL laboratory as part of a predisposition screen in an ostensibly healthy population. It had not been previously curated by ICSL or reported in the Human Gene Mutation Database (HGMD: prior to June 1st, 2018), and was therefore a candidate for classification through an automated scoring system. Utilizing variant allele frequency, disease prevalence and penetrance estimates, and inheritance mode, an automated score was calculated to assess if this variant is too frequent to cause the disease. Based on the score and internal cut-off values, a variant classified as likely benign is not then subjected to further curation. The score for this variant resulted in a classification of likely benign for this disease.

GeneDx
Classification: Likely benign. Last evaluated: 2017-11-15. Review status: criteria provided, single submitter. Criteria: GeneDx Variant Classification (06012015). Collection method: clinical testing. Allele origin: germline. Affected: yes.
Comment: This variant is considered likely benign or benign based on one or more of the following criteria: it is a conservative change, it occurs at a poorly conserved position in the protein, it is predicted to be benign by multiple in silico algorithms, and/or has population frequency not consistent with disease.

Laboratory for Molecular Medicine, Mass General Brigham Personalized Medicine
Classification: Likely benign. Last evaluated: 2017-07-27. Review status: criteria provided, single submitter. Criteria: LMM Criteria. Collection method: clinical testing. Allele origin: germline. Observed: 2 variant alleles.
Comment: p.Ala476Thr in exon 13 of ACTN2: This variant is not expected to have clinical s ignificance because it has been identified in 0.53% (128/24020) of African chrom osomes by the Genome Aggregation Consortium (gnomAD; dbSNP rs142943120).

Biesecker Lab/Clinical Genomics Section, National Institutes of Health
Classification: Likely benign. Last evaluated: 2013-06-24. Review status: criteria provided, single submitter. Criteria: Ng et al. (Circ Cardiovasc Genet. 2013). Collection method: research. Allele origin: unknown. Observed: 1 variant allele. Study: ClinSeq.
Comment: The study set was not selected for affection status in relation to any cancer. Pathogenicity categories were based on literature curation. See Pubmed ID:23861362 for details.

Medical sequencing

Clinical Genetics DNA and cytogenetics Diagnostics Lab, Erasmus MC, Erasmus Medical Center
Classification: Likely benign. Review status: no assertion criteria provided. Collection method: clinical testing. Allele origin: germline. Affected: yes. Study: VKGL Data-share Consensus. Not counted in ClinVar's aggregate classification.

Clinical Genetics, Academic Medical Center
Classification: Likely benign. Review status: no assertion criteria provided. Collection method: clinical testing. Allele origin: germline. Affected: yes. Study: VKGL Data-share Consensus. Not counted in ClinVar's aggregate classification.

Diagnostic Laboratory, Department of Genetics, University Medical Center Groningen
Classification: Likely benign for Dilated cardiomyopathy 1AA. Review status: no assertion criteria provided. Collection method: clinical testing. Allele origin: germline. Affected: yes. Study: VKGL Data-share Consensus. Not counted in ClinVar's aggregate classification.

Literature cited by the submitters: PubMed 23861362 (cited by Ambry Genetics).